The following is an entry in ClinVar:

NM_004946.3(DOCK2):c.5129C>T (p.Ala1710Val)

Gene: DOCK2 (dedicator of cytokinesis 2; plus strand). Cytogenetic location: 5q35.1.
Variant type: single nucleotide variant.
Coding change: c.5129C>T on transcript NM_004946.3 (MANE Select); coding-DNA position 5129, C replaced by T.
Protein change: p.Ala1710Val; replaces alanine 1710 with valine.
Molecular consequence: missense variant. On other transcripts: non-coding transcript variant (1).
Genome position (GRCh38, 1-based): chr5:170,079,109, C>T. VCF-style: chr5-170079109-C-T. GRCh37 (hg19) VCF-style: chr5-169506113-C-T.
Other names: c.5129C>T, p.Ala1710Val (LRG_1227t1); short protein forms A1710V.
Identifiers: ClinVar variation 567059 (VCV000567059.11), dbSNP rs200684209, ClinGen allele CA3554766.

ClinVar aggregate classification (germline): Uncertain significance. Review status: criteria provided, multiple submitters, no conflicts (2 of 4 stars). 4 submissions from 4 submitters: Uncertain significance (4). Last evaluated 2025-10-21.

Conditions:
DOCK2-related disorder. Also called: DOCK2-related condition.
DOCK2 deficiency. Also called: Immunodeficiency 40. Identifiers: Orphanet 447737, MedGen C4225328, MONDO:0014637, OMIM 616433.

Allele frequency attached by ClinVar (database versions not stated): ESP Exome Variant Server 0.00008; TOPMed 0.00011; 1000 Genomes Project 30x 0.00016; 1000 Genomes Project 0.00020.
gnomAD v4.1: 240 of 1,613,866 alleles (0.015%); highest among the groups gnomAD compares: Non-Finnish European, 0.016%; no homozygotes.

Submissions (4):

Labcorp Genetics (formerly Invitae), Labcorp
Classification: Uncertain significance for DOCK2 deficiency. Last evaluated: 2025-10-21. Review status: criteria provided, single submitter. Criteria: Invitae Variant Classification Sherloc (09022015). Collection method: clinical testing. Allele origin: germline.
Comment: This sequence change replaces alanine, which is neutral and non-polar, with valine, which is neutral and non-polar, at codon 1710 of the DOCK2 protein (p.Ala1710Val). This variant is present in population databases (rs200684209, gnomAD 0.05%). This variant has not been reported in the literature in individuals affected with DOCK2-related conditions. ClinVar contains an entry for this variant (Variation ID: 567059). An algorithm developed to predict the effect of missense changes on protein structure and function (PolyPhen-2) suggests that this variant is likely to be tolerated. In summary, the available evidence is currently insufficient to determine the role of this variant in disease. Therefore, it has been classified as a Variant of Uncertain Significance.

PreventionGenetics, part of Exact Sciences
Classification: Uncertain significance for DOCK2-related condition. Last evaluated: 2025-03-05. Review status: criteria provided, single submitter. Criteria: ACMG Guidelines, 2015. Collection method: clinical testing. Allele origin: germline.
Comment: The DOCK2 c.5129C>T variant is predicted to result in the amino acid substitution p.Ala1710Val. To our knowledge, this variant has not been reported in the literature. This variant is reported in 0.056% of alleles in individuals of European (Finnish) descent in gnomAD. At this time, the clinical significance of this variant is uncertain due to the absence of conclusive functional and genetic evidence.

Blueprint Genetics
Classification: Uncertain significance. Last evaluated: 2024-10-03. Review status: criteria provided, single submitter. Criteria: ACMG Guidelines, 2015. Collection method: clinical testing. Allele origin: germline.

Breakthrough Genomics
Classification: Uncertain significance. Review status: criteria provided, single submitter. Criteria: ACMG Guidelines, 2015. Collection method: not provided. Allele origin: germline. Inheritance: Autosomal recessive inheritance. Affected: yes.